The following is an entry in ClinVar:

ClinVar aggregate classification (germline): Pathogenic/Likely pathogenic. Review status: criteria provided, multiple submitters, no conflicts (2 of 4 stars). 3 submissions from 3 submitters: Pathogenic (1); Likely pathogenic (1). 1 of the submissions does not count toward it. Last evaluated 2024-06-08.

Conditions:
Asphyxiating thoracic dystrophy 3. Also called: SHORT-RIB THORACIC DYSPLASIA 3 WITH OR WITHOUT POLYDACTYLY; POLYDACTYLY WITH NEONATAL CHONDRODYSTROPHY, TYPE I; SHORT-RIB THORACIC DYSPLASIA 3/6 WITH POLYDACTYLY, DIGENIC; Short rib polydactyly syndrome 2B; Saldino-Noonan Syndrome. Identifiers: Orphanet 474, Orphanet 93269, Orphanet 93270, Orphanet 93271, MedGen C0036069, MONDO:0013127, OMIM 613091.

Allele frequency attached by ClinVar (database versions not stated): TOPMed 0.00001; gnomAD 0.00002.
gnomAD v4.1: 13 of 1,610,048 alleles (0.00081%); highest among the groups gnomAD compares: Non-Finnish European, 0.00093%; no homozygotes.

Submissions (3):

Fulgent Genetics
Classification: Likely pathogenic for Asphyxiating thoracic dystrophy 3. Last evaluated: 2024-06-08. Review status: criteria provided, single submitter. Criteria: ACMG Guidelines, 2015. Collection method: clinical testing. Allele origin: germline.

Myriad Genetics, Inc.
Classification: Pathogenic for Asphyxiating thoracic dystrophy 3. Last evaluated: 2024-04-22. Review status: criteria provided, single submitter. Criteria: Myriad Autosomal Dominant, Autosomal Recessive and X-Linked Classification Criteria (2023). Collection method: clinical testing. Allele origin: unknown.
Comment: NM_001377.2(DYNC2H1):c.536G>A(W179*) is expected to be pathogenic in the context of DYNC2H1-related disorders. This variant is predicted to lead to an abnormal or absent protein product due to the creation of a premature termination codon in DYNC2H1, a gene where loss-of-function variants are known to be pathogenic. Please note: this variant was assessed in the context of healthy population screening.

Joint Genome Diagnostic Labs from Nijmegen and Maastricht, Radboudumc and MUMC+
Classification: Pathogenic for Asphyxiating thoracic dystrophy 3. Review status: no assertion criteria provided. Collection method: research. Allele origin: inherited. Affected: yes. Not counted in ClinVar's aggregate classification.

NM_001377.3(DYNC2H1):c.536G>A (p.Trp179Ter)

Gene: DYNC2H1 (dynein cytoplasmic 2 heavy chain 1; plus strand). Cytogenetic location: 11q22.3.
Variant type: single nucleotide variant.
Coding change: c.536G>A on transcript NM_001377.3 (MANE Select); coding-DNA position 536, G replaced by A.
Protein change: p.Trp179Ter; replaces tryptophan 179 with a stop codon.
Molecular consequence: nonsense.
Genome position (GRCh38, 1-based): chr11:103,115,210, G>A. VCF-style: chr11-103115210-G-A. GRCh37 (hg19) VCF-style: chr11-102985939-G-A.
Other names: c.536G>A, p.Trp179Ter (NM_001080463.2); short protein forms W179*.
Identifiers: ClinVar variation 997839 (VCV000997839.5), dbSNP rs1223863177, ClinGen allele CA382244710.